The following is an entry in ClinVar:

NM_207361.6(FREM2):c.3052C>G (p.His1018Asp)

Gene: FREM2 (FRAS1 related extracellular matrix 2; plus strand). Cytogenetic location: 13q13.3.
Variant type: single nucleotide variant.
Coding change: c.3052C>G on transcript NM_207361.6 (MANE Select); coding-DNA position 3052, C replaced by G.
Protein change: p.His1018Asp; replaces histidine 1018 with aspartic acid.
Molecular consequence: missense variant.
Genome position (GRCh38, 1-based): chr13:38,690,396, C>G. VCF-style: chr13-38690396-C-G. GRCh37 (hg19) VCF-style: chr13-39264533-C-G.
Other names: short protein forms H1018D.
Identifiers: ClinVar variation 2791532 (VCV002791532.3), dbSNP rs1869775803, ClinGen allele CA387890137.

ClinVar aggregate classification (germline): Uncertain significance (1 of 4 stars; one submission).

Submission:

Labcorp Genetics (formerly Invitae), Labcorp
Classification: Uncertain significance. Last evaluated: 2024-10-29. Review status: criteria provided, single submitter. Criteria: Invitae Variant Classification Sherloc (09022015). Collection method: clinical testing. Allele origin: germline.
Comment: This sequence change replaces histidine, which is basic and polar, with aspartic acid, which is acidic and polar, at codon 1018 of the FREM2 protein (p.His1018Asp). This variant is not present in population databases (gnomAD no frequency). This variant has not been reported in the literature in individuals affected with FREM2-related conditions. ClinVar contains an entry for this variant (Variation ID: 2791532). Invitae Evidence Modeling of protein sequence and biophysical properties (such as structural, functional, and spatial information, amino acid conservation, physicochemical variation, residue mobility, and thermodynamic stability) indicates that this missense variant is not expected to disrupt FREM2 protein function with a negative predictive value of 80%. In summary, the available evidence is currently insufficient to determine the role of this variant in disease. Therefore, it has been classified as a Variant of Uncertain Significance.